The following is an entry in ClinVar:

ClinVar aggregate classification (germline): Uncertain significance (1 of 4 stars; one submission).

Conditions:
Ataxia-telangiectasia syndrome (AT). Also called: ATAXIA-TELANGIECTASIA, COMPLEMENTATION GROUP A; ATAXIA-TELANGIECTASIA, FRESNO VARIANT; Ataxia-telangiectasia, complementation group D; AT, COMPLEMENTATION GROUP C; Cerebello-oculocutaneous telangiectasia; Immunodeficiency with ataxia telangiectasia. Identifiers: Orphanet 100, MedGen C0004135, MONDO:0008840, OMIM 208900.

Submission:

Labcorp Genetics (formerly Invitae), Labcorp
Classification: Uncertain significance for Ataxia-telangiectasia syndrome. Last evaluated: 2024-10-21. Review status: criteria provided, single submitter. Criteria: Invitae Variant Classification Sherloc (09022015). Collection method: clinical testing. Allele origin: germline.
Comment: This sequence change replaces leucine, which is neutral and non-polar, with proline, which is neutral and non-polar, at codon 1295 of the ATM protein (p.Leu1295Pro). This variant is not present in population databases (gnomAD no frequency). This variant has not been reported in the literature in individuals affected with ATM-related conditions. ClinVar contains an entry for this variant (Variation ID: 1042672). Invitae Evidence Modeling of protein sequence and biophysical properties (such as structural, functional, and spatial information, amino acid conservation, physicochemical variation, residue mobility, and thermodynamic stability) has been performed for this missense variant. However, the output from this modeling did not meet the statistical confidence thresholds required to predict the impact of this variant on ATM protein function. In summary, the available evidence is currently insufficient to determine the role of this variant in disease. Therefore, it has been classified as a Variant of Uncertain Significance.

NM_000051.4(ATM):c.3884T>C (p.Leu1295Pro)

Gene: ATM (ATM serine/threonine kinase; plus strand). Cytogenetic location: 11q22.3.
Variant type: single nucleotide variant.
Coding change: c.3884T>C on transcript NM_000051.4 (MANE Select); coding-DNA position 3884, T replaced by C.
Protein change: p.Leu1295Pro; replaces leucine 1295 with proline.
Molecular consequence: missense variant.
Genome position (GRCh38, 1-based): chr11:108,284,364, T>C. VCF-style: chr11-108284364-T-C. GRCh37 (hg19) VCF-style: chr11-108155091-T-C.
Other names: c.3884T>C, p.Leu1295Pro (NM_001351834.2); short protein forms L1295P.
Identifiers: ClinVar variation 1042672 (VCV001042672.8), dbSNP rs2082382999, ClinGen allele CA382525457.